The following is an entry in ClinVar:

ClinVar aggregate classification (germline): Uncertain significance (1 of 4 stars; one submission).

Allele frequency attached by ClinVar (database versions not stated): TOPMed 0.00001.

Submission:

Labcorp Genetics (formerly Invitae), Labcorp
Classification: Uncertain significance. Last evaluated: 2023-09-11. Review status: criteria provided, single submitter. Criteria: Invitae Variant Classification Sherloc (09022015). Collection method: clinical testing. Allele origin: germline.
Comment: This variant has not been reported in the literature in individuals affected with CFP-related conditions. In summary, the available evidence is currently insufficient to determine the role of this variant in disease. Therefore, it has been classified as a Variant of Uncertain Significance. Algorithms developed to predict the effect of sequence changes on RNA splicing suggest that this variant may create or strengthen a splice site. Advanced modeling of protein sequence and biophysical properties (such as structural, functional, and spatial information, amino acid conservation, physicochemical variation, residue mobility, and thermodynamic stability) performed at Invitae indicates that this missense variant is expected to disrupt CFP protein function. This variant is not present in population databases (gnomAD no frequency). This sequence change replaces cysteine, which is neutral and slightly polar, with glycine, which is neutral and non-polar, at codon 127 of the CFP protein (p.Cys127Gly).

NM_001145252.3(CFP):c.379T>G (p.Cys127Gly)

Gene: CFP (complement factor properdin; minus strand). Cytogenetic location: Xp11.23.
Variant type: single nucleotide variant.
Coding change: c.379T>G on transcript NM_001145252.3 (MANE Select); coding-DNA position 379, T replaced by G.
Protein change: p.Cys127Gly; replaces cysteine 127 with glycine.
Molecular consequence: missense variant.
Genome position (GRCh38, 1-based): chrX:47,628,126, A>C on the plus strand (T>G on the coding strand, the complement: CFP is on the minus strand). VCF-style: chrX-47628126-A-C. GRCh37 (hg19) VCF-style: chrX-47487525-A-C.
Other names: c.379T>G, p.Cys127Gly (NM_002621.2); short protein forms C127G.
Identifiers: ClinVar variation 2785216 (VCV002785216.3), dbSNP rs2057976762, ClinGen allele CA412838953.